The following is an entry in ClinVar:

NM_001365951.3(KIF1B):c.5386C>A (p.Pro1796Thr)

Gene: KIF1B (kinesin family member 1B; plus strand). Cytogenetic location: 1p36.22.
Variant type: single nucleotide variant.
Coding change: c.5386C>A on transcript NM_001365951.3 (MANE Select); coding-DNA position 5386, C replaced by A.
Protein change: p.Pro1796Thr; replaces proline 1796 with threonine.
Molecular consequence: missense variant.
Genome position (GRCh38, 1-based): chr1:10,375,351, C>A. VCF-style: chr1-10375351-C-A. GRCh37 (hg19) VCF-style: chr1-10435409-C-A.
Other names: c.5386C>A, p.Pro1796Thr (NM_001365952.1); c.5248C>A, p.Pro1750Thr (NM_015074.3); short protein forms P1750T, P1796T.
Identifiers: ClinVar variation 2819516 (VCV002819516.3), dbSNP rs150740999, ClinGen allele CA338332016.

ClinVar aggregate classification (germline): Uncertain significance (1 of 4 stars; one submission).

Conditions:
Charcot-Marie-Tooth disease type 2. Also called: Charcot-Marie-Tooth type 2. Identifiers: Orphanet 64746, MedGen C0270914, MONDO:0018993.

gnomAD v4.1: 2 of 1,613,580 alleles (0.00012%); highest among the groups gnomAD compares: Non-Finnish European, 0.00017%; no homozygotes.

Submission:

Labcorp Genetics (formerly Invitae), Labcorp
Classification: Uncertain significance for Charcot-Marie-Tooth disease type 2. Last evaluated: 2022-12-08. Review status: criteria provided, single submitter. Criteria: Invitae Variant Classification Sherloc (09022015). Collection method: clinical testing. Allele origin: germline.
Comment: In summary, the available evidence is currently insufficient to determine the role of this variant in disease. Therefore, it has been classified as a Variant of Uncertain Significance. Algorithms developed to predict the effect of missense changes on protein structure and function are either unavailable or do not agree on the potential impact of this missense change (SIFT: "Deleterious"; PolyPhen-2: "Probably Damaging"; Align-GVGD: "Class C0"). This variant has not been reported in the literature in individuals affected with KIF1B-related conditions. This variant is not present in population databases (gnomAD no frequency). This sequence change replaces proline, which is neutral and non-polar, with threonine, which is neutral and polar, at codon 1750 of the KIF1B protein (p.Pro1750Thr).